The following is an entry in ClinVar:

ClinVar aggregate classification (germline): Likely benign (0 of 4 stars; one submission).

Conditions:
KIF5A-related disorder. Also called: KIF5A-related condition; KIF5A-related disorders.

Submission:

PreventionGenetics, part of Exact Sciences
Classification: Likely benign for KIF5A-related condition. Last evaluated: 2024-06-27. Review status: no assertion criteria provided. Collection method: clinical testing. Allele origin: germline.
Comment: This variant is classified as likely benign based on ACMG/AMP sequence variant interpretation guidelines (Richards et al. 2015 PMID: 25741868, with internal and published modifications).

NM_004984.4(KIF5A):c.231C>T (p.Gly77=)

Gene: KIF5A (kinesin family member 5A; plus strand). Cytogenetic location: 12q13.3.
Variant type: single nucleotide variant.
Coding change: c.231C>T on transcript NM_004984.4 (MANE Select); coding-DNA position 231, C replaced by T.
Protein change: p.Gly77=; no amino-acid change (glycine 77 retained).
Molecular consequence: synonymous variant. On other transcripts: intron variant (1).
Genome position (GRCh38, 1-based): chr12:57,563,633, C>T. VCF-style: chr12-57563633-C-T. GRCh37 (hg19) VCF-style: chr12-57957416-C-T.
Other names: c.130-827C>T (NM_001354705.2).
Identifiers: ClinVar variation 3345722 (VCV003345722.1).
Genomic context (GRCh38, chr12:57,563,633, plus strand): 5'-TACCCGACCTATCTCCACCAGTACTCTTTCTCTACTGTCTCTTCCAGATGTCCTTGCTGG[C>T]TACAATGGCACCATTTTTGCTTATGGACAGACATCCTCAGGGAAAACACATACCATGGAG-3'
Protein context (NP_004975.2, residues 67-87): AMQIVKDVLA[Gly77=]YNGTIFAYGQ